The following is an entry in ClinVar:

ClinVar aggregate classification (germline): Uncertain significance (1 of 4 stars; one submission).

Submission:

Ambry Genetics
Classification: Uncertain significance. Last evaluated: 2026-04-20. Review status: criteria provided, single submitter. Criteria: Ambry Variant Classification Scheme 2023. Collection method: clinical testing. Allele origin: germline.
Comment: The p.P1132R variant (also known as c.3395C>G), located in coding exon 13 of the WNK2 gene, results from a C to G substitution at nucleotide position 3395. The proline at codon 1132 is replaced by arginine, an amino acid with dissimilar properties. This amino acid position is conserved. In addition, this alteration is predicted to be tolerated by in silico analysis. Based on the available evidence, the clinical significance of this variant remains unclear.

NM_006648.4(WNK2):c.3395C>G (p.Pro1132Arg)

Gene: WNK2 (WNK lysine deficient protein kinase 2; plus strand). Cytogenetic location: 9q22.31.
Variant type: single nucleotide variant.
Coding change: c.3395C>G on transcript NM_006648.4 (MANE Select); coding-DNA position 3395, C replaced by G.
Protein change: p.Pro1132Arg; replaces proline 1132 with arginine.
Molecular consequence: missense variant.
Genome position (GRCh38, 1-based): chr9:93,262,704, C>G. VCF-style: chr9-93262704-C-G. GRCh37 (hg19) VCF-style: chr9-96024986-C-G.
Other names: c.3395C>G, p.Pro1132Arg (NM_001282394.3); short protein forms P1132R.
Identifiers: ClinVar variation 4866604 (VCV004866604.1).